The following is an entry in ClinVar:

NM_006565.4(CTCF):c.1075G>C (p.Ala359Pro)

Gene: CTCF (CCCTC-binding factor; plus strand). Cytogenetic location: 16q22.1.
Variant type: single nucleotide variant.
Coding change: c.1075G>C on transcript NM_006565.4 (MANE Select); coding-DNA position 1075, G replaced by C.
Protein change: p.Ala359Pro; replaces alanine 359 with proline.
Molecular consequence: missense variant.
Genome position (GRCh38, 1-based): chr16:67,616,867, G>C. VCF-style: chr16-67616867-G-C. GRCh37 (hg19) VCF-style: chr16-67650770-G-C.
Other names: c.1075G>C, p.Ala359Pro (NM_001438969.1, NM_001363916.2, NM_001438968.1); c.91G>C, p.Ala31Pro (NM_001191022.2); short protein forms A31P, A359P.
Identifiers: ClinVar variation 4855091 (VCV004855091.1).
Genomic context (GRCh38, chr16:67,616,867, plus strand): 5'-CGGCATCGTCGTTACAAACACACCCACGAGAAGCCATTCAAGTGTTCCATGTGCGATTAC[G>C]CCAGTGTAGAAGTGAGTGTTCAGCTTTTTGTTGGTATCTCTCTTAGGCAGACCATGATTT-3'
Protein context (NP_006556.1, residues 349-369): KPFKCSMCDY[Ala359Pro]SVEVSKLKRH

ClinVar aggregate classification (germline): Uncertain significance (1 of 4 stars; one submission).

Conditions:
CTCF-related neurodevelopmental disorder. Also called: INTELLECTUAL DEVELOPMENTAL DISORDER, AUTOSOMAL DOMINANT 21; Intellectual disability-feeding difficulties-developmental delay-microcephaly syndrome. Identifiers: Orphanet 363611, MedGen C3809686, MONDO:0014213, OMIM 615502.

Submission:

3billion
Classification: Uncertain significance for CTCF-related neurodevelopmental disorder. Last evaluated: 2025-12-26. Review status: criteria provided, single submitter. Criteria: ACMG Guidelines, 2015. Collection method: clinical testing. Allele origin: germline. Affected: yes.
Comment: The variant is not observed in the gnomAD v4.1.0 dataset. Predicted Consequence/Location: Missense variant In silico tool predictions suggest damaging effect of the variant on gene or gene product [3Cnet: 0.99 (> 0.75, sensitivity 0.96 and precision 0.92)]. Different missense changes at the same codon have been reported as of uncertain significance (ClinVar ID: VCV004235519). Therefore, this variant is classified as VUS according to the recommendation of ACMG/AMP guideline.